The following is an entry in ClinVar:

NM_199420.4(POLQ):c.896G>A (p.Gly299Glu)

Gene: POLQ (DNA polymerase theta; minus strand). Cytogenetic location: 3q13.33.
Variant type: single nucleotide variant.
Coding change: c.896G>A on transcript NM_199420.4 (MANE Select); coding-DNA position 896, G replaced by A.
Protein change: p.Gly299Glu; replaces glycine 299 with glutamic acid.
Molecular consequence: missense variant.
Genome position (GRCh38, 1-based): chr3:121,533,054, C>T on the plus strand (G>A on the coding strand, the complement: POLQ is on the minus strand). VCF-style: chr3-121533054-C-T. GRCh37 (hg19) VCF-style: chr3-121251901-C-T.
Other names: short protein forms G299E.
Identifiers: ClinVar variation 1765280 (VCV001765280.2), dbSNP rs374806993, ClinGen allele CA2563698.
Genomic context (GRCh38, chr3:121,533,054, plus strand): 5'-ACTTGTAGCATGGGCTCAAATTCCCTCACAAGTTTCATTGAAGAGTCATATATGGAATTT[C>T]CAACTTTTACTGACTCCAAAAGCGGTACAGGGCGAAAGTCGGTATGGTAGAGTTCAGCAT-3'
Protein context (NP_955452.3, residues 289-309): PVPLLESVKV[Gly299Glu]NSIYDSSMKL

ClinVar aggregate classification (germline): Uncertain significance (1 of 4 stars; one submission).

Allele frequency attached by ClinVar (database versions not stated): gnomAD exomes below 0.00001; ExAC 0.00001; ESP Exome Variant Server 0.00008.

Submission:

Ambry Genetics
Classification: Uncertain significance. Last evaluated: 2022-01-17. Review status: criteria provided, single submitter. Criteria: Ambry Variant Classification Scheme 2023. Collection method: clinical testing. Allele origin: germline.
Comment: The p.G299E variant (also known as c.896G>A), located in coding exon 6 of the POLQ gene, results from a G to A substitution at nucleotide position 896. The glycine at codon 299 is replaced by glutamic acid, an amino acid with similar properties. This amino acid position is conserved. In addition, the in silico prediction for this alteration is inconclusive. Since supporting evidence is limited at this time, the clinical significance of this alteration remains unclear.